The following is an entry in ClinVar:

ClinVar aggregate classification (germline): Benign/Likely benign. Review status: criteria provided, multiple submitters, no conflicts (2 of 4 stars). 2 submissions from 2 submitters: Benign (1); Likely benign (1). Last evaluated 2026-05-15.

Conditions:
Neurofibromatosis, type 1 (NF1). Also called: Neurofibromatosis, type I; NEUROFIBROMATOSIS, TYPE I, SOMATIC; Peripheral type neurofibromatosis; VON RECKLINGHAUSEN DISEASE. Identifiers: Orphanet 636, MedGen C0027831, MONDO:0018975, OMIM 162200. Disease mechanism: loss of function.

gnomAD v4.1: 1 of 1,614,034 alleles (0.000062%); highest among the groups gnomAD compares: Non-Finnish European, 0.000085%; no homozygotes.

Submissions (2):

Myriad Genetics, Inc.
Classification: Benign for Neurofibromatosis, type 1. Last evaluated: 2026-05-15. Review status: criteria provided, single submitter. Criteria: Myriad Autosomal Dominant, Autosomal Recessive and X-Linked Classification Criteria (2023). Collection method: clinical testing. Allele origin: unknown.
Comment: This variant is considered benign. This variant is a silent/synonymous amino acid change and it is not expected to impact splicing.

Labcorp Genetics (formerly Invitae), Labcorp
Classification: Likely benign for Neurofibromatosis, type 1. Last evaluated: 2024-12-02. Review status: criteria provided, single submitter. Criteria: Invitae Variant Classification Sherloc (09022015). Collection method: clinical testing. Allele origin: germline.

NM_001042492.3(NF1):c.1161C>T (p.Ser387=)

Gene: NF1 (neurofibromin 1; plus strand). Cytogenetic location: 17q11.2.
Variant type: single nucleotide variant.
Coding change: c.1161C>T on transcript NM_001042492.3 (MANE Select); coding-DNA position 1161, C replaced by T.
Protein change: p.Ser387=; no amino-acid change (serine 387 retained).
Molecular consequence: synonymous variant.
Genome position (GRCh38, 1-based): chr17:31,201,135, C>T. VCF-style: chr17-31201135-C-T. GRCh37 (hg19) VCF-style: chr17-29528153-C-T.
Other names: c.1161C>T, p.Ser387= (NM_000267.4, NM_001128147.3).
Identifiers: ClinVar variation 3671083 (VCV003671083.3).